The following is an entry in ClinVar:

NM_018122.5(DARS2):c.910del (p.Ser304fs)

Gene: DARS2 (aspartyl-tRNA synthetase 2, mitochondrial; plus strand). Cytogenetic location: 1q25.1.
Variant type: Deletion.
Coding change: c.910del on transcript NM_018122.5 (MANE Select); coding-DNA position 910, one base deleted (T; older notation c.910delT).
Protein change: p.Ser304fs; shifts the reading frame from serine 304.
Molecular consequence: frameshift variant.
Genome position (GRCh38, 1-based): chr1:173,839,436, T deleted; the last of 2 consecutive T bases (chr1:173,839,435-173,839,436); deleting either gives the same sequence. VCF-style (leftmost placement, unchanged base first): chr1-173839434-AT-A. GRCh37 (hg19) VCF-style: chr1-173808572-AT-A.
Other names: c.910del, p.Ser304fs (NM_001365212.1, NM_001365213.2); short protein forms S304fs.
Identifiers: ClinVar variation 4727096 (VCV004727096.1).

ClinVar aggregate classification (germline): Pathogenic (1 of 4 stars; one submission).

Submission:

Labcorp Genetics (formerly Invitae), Labcorp
Classification: Pathogenic. Last evaluated: 2025-09-20. Review status: criteria provided, single submitter. Criteria: Invitae Variant Classification Sherloc (09022015). Collection method: clinical testing. Allele origin: germline.
Comment: This sequence change creates a premature translational stop signal (p.Ser304Profs*16) in the DARS2 gene. It is expected to result in an absent or disrupted protein product. Loss-of-function variants in DARS2 are known to be pathogenic (PMID: 17384640, 24566671). This variant is not present in population databases (gnomAD no frequency). This variant has not been reported in the literature in individuals affected with DARS2-related conditions. For these reasons, this variant has been classified as Pathogenic.

Literature cited by the submitters: PubMed 17384640; PubMed 24566671.